The following is an entry in ClinVar:

ClinVar aggregate classification (germline): Uncertain significance (1 of 4 stars; one submission).

Conditions:
Arrhythmogenic right ventricular dysplasia 9 (ARVD9). Also called: Arrhythmogenic Right Ventricular Dysplasia/Cardiomyopathy 9; ARRHYTHMOGENIC RIGHT VENTRICULAR DYSPLASIA, FAMILIAL, 9. Identifiers: MedGen C1836906, MONDO:0012180, OMIM 609040.

Allele frequency attached by ClinVar (database versions not stated): gnomAD 0.00001; TOPMed 0.00002.
gnomAD v4.1: 1 of 1,613,664 alleles (0.000062%); highest among the groups gnomAD compares: African/African-American, 0.0013%; no homozygotes.

Submission:

Labcorp Genetics (formerly Invitae), Labcorp
Classification: Uncertain significance for Arrhythmogenic right ventricular dysplasia 9. Last evaluated: 2023-10-13. Review status: criteria provided, single submitter. Criteria: Invitae Variant Classification Sherloc (09022015). Collection method: clinical testing. Allele origin: germline.
Comment: This sequence change replaces isoleucine, which is neutral and non-polar, with threonine, which is neutral and polar, at codon 802 of the PKP2 protein (p.Ile802Thr). This variant is not present in population databases (gnomAD no frequency). This variant has not been reported in the literature in individuals affected with PKP2-related conditions. An algorithm developed to predict the effect of missense changes on protein structure and function (PolyPhen-2) suggests that this variant is likely to be tolerated. In summary, the available evidence is currently insufficient to determine the role of this variant in disease. Therefore, it has been classified as a Variant of Uncertain Significance.

NM_001005242.3(PKP2):c.2273T>C (p.Ile758Thr)

Gene: PKP2 (plakophilin 2; minus strand). Cytogenetic location: 12p11.21.
Variant type: single nucleotide variant.
Coding change: c.2273T>C on transcript NM_001005242.3 (MANE Select); coding-DNA position 2273, T replaced by C.
Protein change: p.Ile758Thr; replaces isoleucine 758 with threonine.
Molecular consequence: missense variant. On other transcripts: intron variant (2).
Genome position (GRCh38, 1-based): chr12:32,796,193, A>G on the plus strand (T>C on the coding strand, the complement: PKP2 is on the minus strand). VCF-style: chr12-32796193-A-G. GRCh37 (hg19) VCF-style: chr12-32949127-A-G.
Other names: c.2168-3462T>C (NM_001407155.1); c.1841-3462T>C (NM_001407160.1); c.2108T>C, p.Ile703Thr (NM_001407156.1); c.1946T>C, p.Ile649Thr (NM_001407158.1, NM_001407159.1); c.2405T>C, p.Ile802Thr (NM_004572.4); short protein forms I758T, I649T, I703T, I802T.
Identifiers: ClinVar variation 2884887 (VCV002884887.3), dbSNP rs1242813157, ClinGen allele CA384357756.